The following is an entry in ClinVar:

ClinVar aggregate classification (germline): Uncertain significance (1 of 4 stars; one submission).

Conditions:
Hereditary cancer-predisposing syndrome. Also called: Neoplastic Syndromes, Hereditary; Tumor predisposition; Hereditary neoplastic syndrome; Hereditary Cancer Syndrome. Identifiers: Orphanet 140162, MedGen C0027672, MeSH D009386, MONDO:0015356.

gnomAD v4.1: 1 of 429,074 alleles (0.00023%); highest among the groups gnomAD compares: South Asian, 0.0018%; no homozygotes.

Submission:

Ambry Genetics
Classification: Uncertain significance for Hereditary cancer-predisposing syndrome. Last evaluated: 2026-08-08. Review status: criteria provided, single submitter. Criteria: Ambry Variant Classification Scheme 2023. Collection method: clinical testing. Allele origin: germline.
Comment: The c.8633-1349G>T intronic variant results from a G to T substitution 1349 nucleotides upstream from coding exon 20 in the BRCA2 gene. This nucleotide position is conserved on limited sequence alignment. In silico splice site analysis predicts that this alteration may result in the creation or strengthening of a novel splice acceptor site and may result in the creation or strengthening of a novel splice donor site; however, direct evidence is insufficient at this time (Ambry internal data). Based on the available evidence, the clinical significance of this variant remains unclear.

NM_000059.4(BRCA2):c.8633-1349G>T

Gene: BRCA2 (BRCA2 DNA repair associated; plus strand). Cytogenetic location: 13q13.1.
Variant type: single nucleotide variant.
Coding change: c.8633-1349G>T on transcript NM_000059.4 (MANE Select); 1349 bases into the intron before coding-DNA position 8633, G replaced by T.
Molecular consequence: intron variant.
Genome position (GRCh38, 1-based): chr13:32,375,321, G>T. VCF-style: chr13-32375321-G-T. GRCh37 (hg19) VCF-style: chr13-32949458-G-T.
Other names: c.8633-1349G>T (NM_001432077.1, NM_001406720.1); c.8537-1349G>T (NM_001406719.1); c.3701-1349G>T (NM_001406721.1); c.2216-1349G>T (NM_001406722.1).
Identifiers: ClinVar variation 5033336 (VCV005033336.1).